The following is an entry in ClinVar:

ClinVar aggregate classification (germline): Likely pathogenic (1 of 4 stars; one submission).

Conditions:
Intellectual developmental disorder, X-linked, syndromic, Claes-Jensen type. Also called: Syndromic X-linked intellectual disability Claes-Jensen type; INTELLECTUAL DEVELOPMENTAL DISORDER, X-LINKED, SYNDROMIC 16; MENTAL RETARDATION, X-LINKED, SYNDROMIC 16. Identifiers: Orphanet 85279, MedGen C1845243, MONDO:0010355, OMIM 300534.

Submission:

Institute of Human Genetics, University of Goettingen
Classification: Likely pathogenic for Intellectual developmental disorder, X-linked, syndromic, Claes-Jensen type. Last evaluated: 2025-09-22. Review status: criteria provided, single submitter. Criteria: ACMG Guidelines, 2015. Collection method: clinical testing. Allele origin: germline. Inheritance: X-linked recessive inheritance. Affected: yes. Observed: 1 heterozygote.
Comment: The variant c.2885dup (p.(Ser963)) in the KDM5C gene is not listed in the gnomAD database and is currently absent from both ClinVar and HGMD. This duplication results in a premature stop codon at amino acid position 963, leading to a truncated protein. Such loss-of-function variants are known to be pathogenic in the context of KDM5C-related disorders. The molecular findings are consistent with the patient’s clinical phenotype. ACMG criteria used for classification: PVS1, PM2_SUP.*

NM_004187.5(KDM5C):c.2885dup (p.Pro962_Ser963insTer)

Gene: KDM5C (lysine demethylase 5C; minus strand). Cytogenetic location: Xp11.22.
Variant type: Duplication.
Coding change: c.2885dup on transcript NM_004187.5 (MANE Select); coding-DNA position 2885, one base duplicated (C; older notation c.2885dupC).
Protein change: p.Pro962_Ser963insTer.
Molecular consequence: frameshift variant. On other transcripts: non-coding transcript variant (3).
Genome position (GRCh38, 1-based): chrX:53,196,782, G duplicated on the plus strand (C on the coding strand, the reverse complement: KDM5C is on the minus strand); the first of 4 consecutive G bases (chrX:53,196,782-53,196,785); duplicating any one gives the same sequence. VCF-style (leftmost placement, unchanged base first): chrX-53196781-A-AG. GRCh37 (hg19) VCF-style: chrX-53225963-A-AG.
Other names: c.2684dup, p.Pro895_Ser896insTer (NM_001146702.2); c.2882dup, p.Pro961_Ser962insTer (NM_001282622.3, NM_001353979.2, NM_001353982.2); c.2885dup, p.Pro962_Ser963insTer (NM_001353978.3, NM_001353981.2, NM_001353984.2).
Identifiers: ClinVar variation 4280654 (VCV004280654.1).